The following is an entry in ClinVar:

NM_002430.3(MN1):c.1661C>T (p.Ala554Val)

Gene: MN1 (MN1 proto-oncogene, transcriptional regulator; minus strand). Cytogenetic location: 22q12.1.
Variant type: single nucleotide variant.
Coding change: c.1661C>T on transcript NM_002430.3 (MANE Select); coding-DNA position 1661, C replaced by T.
Protein change: p.Ala554Val; replaces alanine 554 with valine.
Molecular consequence: missense variant.
Genome position (GRCh38, 1-based): chr22:27,798,883, G>A on the plus strand (C>T on the coding strand, the complement: MN1 is on the minus strand). VCF-style: chr22-27798883-G-A. GRCh37 (hg19) VCF-style: chr22-28194871-G-A.
Other names: short protein forms A554V.
Identifiers: ClinVar variation 1878811 (VCV001878811.1), dbSNP rs1310572906, ClinGen allele CA411047625.

ClinVar aggregate classification (germline): Uncertain significance (1 of 4 stars; one submission).

gnomAD v4.1: 6 of 1,549,124 alleles (0.00039%); highest among the groups gnomAD compares: Non-Finnish European, 0.00044%; no homozygotes.

Submission:

GeneDx
Classification: Uncertain significance. Last evaluated: 2022-07-15. Review status: criteria provided, single submitter. Criteria: GeneDx Variant Classification Process June 2021. Collection method: clinical testing. Allele origin: germline. Affected: yes.
Comment: In silico analysis supports that this missense variant has a deleterious effect on protein structure/function; Has not been previously published as pathogenic or benign to our knowledge